The following is an entry in ClinVar:

NM_005220.3(DLX3):c.713G>C (p.Ser238Thr)

Gene: DLX3 (distal-less homeobox 3; minus strand). Cytogenetic location: 17q21.33.
Variant type: single nucleotide variant.
Coding change: c.713G>C on transcript NM_005220.3 (MANE Select); coding-DNA position 713, G replaced by C.
Protein change: p.Ser238Thr; replaces serine 238 with threonine.
Molecular consequence: missense variant.
Genome position (GRCh38, 1-based): chr17:49,991,668, C>G on the plus strand (G>C on the coding strand, the complement: DLX3 is on the minus strand). VCF-style: chr17-49991668-C-G. GRCh37 (hg19) VCF-style: chr17-48069032-C-G.
Other names: short protein forms S238T.
Identifiers: ClinVar variation 3697288 (VCV003697288.2).
Genomic context (GRCh38, chr17:49,991,668, plus strand): 5'-CTCAGGTTCTGTGCGTGATACCAGGAGTTGGTGGGGTCGTCCAGGTAGCTGGGGGAGGCA[C>G]TGTATGGGAGCGGCGGGGGCAGCTGACTGCGGGCAGGGGCCGGAGTGGAGTGGGAAGAGG-3'
Protein context (NP_005211.1, residues 228-248): RSQLPPPLPY[Ser238Thr]ASPSYLDDPT

ClinVar aggregate classification (germline): Uncertain significance (1 of 4 stars; one submission).

Submission:

Labcorp Genetics (formerly Invitae), Labcorp
Classification: Uncertain significance. Last evaluated: 2025-04-09. Review status: criteria provided, single submitter. Criteria: Invitae Variant Classification Sherloc (09022015). Collection method: clinical testing. Allele origin: germline.
Comment: This sequence change replaces serine, which is neutral and polar, with threonine, which is neutral and polar, at codon 238 of the DLX3 protein (p.Ser238Thr). This variant is not present in population databases (gnomAD no frequency). This variant has not been reported in the literature in individuals affected with DLX3-related conditions. ClinVar contains an entry for this variant (Variation ID: 3697288). Invitae Evidence Modeling of protein sequence and biophysical properties (such as structural, functional, and spatial information, amino acid conservation, physicochemical variation, residue mobility, and thermodynamic stability) indicates that this missense variant is not expected to disrupt DLX3 protein function with a negative predictive value of 80%. In summary, the available evidence is currently insufficient to determine the role of this variant in disease. Therefore, it has been classified as a Variant of Uncertain Significance.